The following is an entry in ClinVar:

ClinVar aggregate classification (germline): Pathogenic/Likely pathogenic. Review status: criteria provided, multiple submitters, no conflicts (2 of 4 stars). 7 submissions from 7 submitters: Pathogenic (4); Likely pathogenic (1). 2 of the submissions do not count toward it. Last evaluated 2026-07-16.

Conditions:
EYS-related disorder. Also called: EYS-related condition.
Retinitis pigmentosa (RP). Identifiers: Orphanet 791, MedGen C0035334, MeSH D012174, MONDO:0019200, OMIM 268000. Inheritance: Autosomal dominant, autosomal recessive and X linked inheritance.
Retinitis pigmentosa 25 (RP25). Identifiers: Orphanet 791, MedGen C1864446, MONDO:0011272, OMIM 602772.

Submissions (7):

Kasturba Medical College, Manipal, Kasturba Medical College, Manipal, Manipal Academy of Higher Education, Manipal, India
Classification: Likely pathogenic for Retinitis pigmentosa 25. Last evaluated: 2026-07-16. Review status: criteria provided, single submitter. Criteria: ACMG Guidelines, 2015. Collection method: research. Allele origin: unknown. Inheritance: Autosomal recessive inheritance. Affected: yes. Observed: 1 variant allele, 1 homozygote.
Comment: This variant is present in 16 individuals in heterozygous state and absent in homozygous state in population database gnomAD v4.1.1. This variant is absent in heterozygous and/or homozygous state in our inhouse database of 4438 exomes.

Natera, Inc.
Classification: Pathogenic for Retinitis pigmentosa type 25. Last evaluated: 2025-12-08. Review status: criteria provided, single submitter. Criteria: Natera Variant Classification Schema (03/2026). Collection method: clinical testing. Allele origin: germline.
Comment: The c.8155_8156delCA variant in EYS is a frameshift variant predicted to shift the reading frame beginning at codon 2719 and leads to a stop codon 27 codons downstream. This variant is expected to result in nonsense mediated decay, truncation, or a dysfunctional protein product. This variant is rare in the general population with a frequency below the threshold expected for the associated phenotype(s). This variant has been observed in one or more individuals affected with the associated recessive disease, as either homozygous or compound heterozygous with a second variant (PMID: 20375346, 39062705). Given the available evidence, this variant is classified as Pathogenic.

Blueprint Genetics
Classification: Pathogenic for EYS-related disorders. Last evaluated: 2024-06-07. Review status: criteria provided, single submitter. Criteria: ACMG Guidelines, 2015. Collection method: clinical testing. Allele origin: germline. Affected: yes. Observed: 4 variant alleles.

Baylor Genetics
Classification: Pathogenic for Retinitis pigmentosa 25. Last evaluated: 2024-03-18. Review status: criteria provided, single submitter. Criteria: ACMG Guidelines, 2015. Collection method: clinical testing. Allele origin: unknown.

Labcorp Genetics (formerly Invitae), Labcorp
Classification: Pathogenic. Last evaluated: 2023-05-20. Review status: criteria provided, single submitter. Criteria: Invitae Variant Classification Sherloc (09022015). Collection method: clinical testing. Allele origin: germline.
Comment: This sequence change creates a premature translational stop signal (p.His2719Tyrfs*27) in the EYS gene. While this is not anticipated to result in nonsense mediated decay, it is expected to disrupt the last 426 amino acid(s) of the EYS protein. For these reasons, this variant has been classified as Pathogenic. This variant disrupts a region of the EYS protein in which other variant(s) (p.Tyr2935*) have been determined to be pathogenic (PMID: 22363543, 24652164, 28763560). This suggests that this is a clinically significant region of the protein, and that variants that disrupt it are likely to be disease-causing. ClinVar contains an entry for this variant (Variation ID: 554682). This variant is also known as c.8218_8219delCA. This premature translational stop signal has been observed in individuals with recessive retinitis pigmentosa (PMID: 20375346). This variant is present in population databases (rs764229134, gnomAD 0.002%).

Sharon lab, Hadassah-Hebrew University Medical Center
Classification: Pathogenic for Retinitis pigmentosa. Last evaluated: 2019-06-23. Review status: no assertion criteria provided. Collection method: research. Allele origin: inherited. Affected: yes. Not counted in ClinVar's aggregate classification.

Counsyl
Classification: Likely pathogenic for Retinitis pigmentosa 25. Last evaluated: 2017-11-01. Review status: no assertion criteria provided. Collection method: clinical testing. Allele origin: unknown. Not counted in ClinVar's aggregate classification.

Literature cited by the submitters: PubMed 20375346 (cited by 4 submitters); PubMed 39062705 (cited by Natera, Inc.); PubMed 22363543 (cited by Labcorp Genetics (formerly Invitae), Labcorp); PubMed 24652164 (cited by Labcorp Genetics (formerly Invitae), Labcorp); PubMed 28763560 (cited by Labcorp Genetics (formerly Invitae), Labcorp).

NM_001142800.2(EYS):c.8155_8156del (p.His2719fs)

Gene: EYS (EGF-like photoreceptor maintenance factor; minus strand). Cytogenetic location: 6q12.
Variant type: Microsatellite.
Coding change: c.8155_8156del on transcript NM_001142800.2 (MANE Select); coding-DNA positions 8155 to 8156, 2 bases deleted (CA; older notation c.8155_8156delCA).
Protein change: p.His2719fs; shifts the reading frame from histidine 2719.
Molecular consequence: frameshift variant.
Genome position (GRCh38, 1-based): chr6:63,726,596-63,726,597, TG deleted on the plus strand (CA on the coding strand, the reverse complement: EYS is on the minus strand); deleting any 2 consecutive bases within chr6:63,726,596-63,726,600 gives the same sequence; the c. name uses the placement nearest the transcript's 3' end. VCF-style (leftmost placement, unchanged base first): chr6-63726595-ATG-A. GRCh37 (hg19) VCF-style: chr6-64436488-ATG-A.
Other names: c.8218_8219del, p.His2740fs (NM_001292009.2); c.8218_8219del (NM_001292009.1); short protein forms H2719fs, H2740fs.
Identifiers: ClinVar variation 554682 (VCV000554682.16), dbSNP rs764229134, ClinGen allele CA3876729.